The following is an entry in ClinVar:

NM_017763.6(RNF43):c.2299G>T (p.Ala767Ser)

Gene: RNF43 (ring finger protein 43; minus strand). Cytogenetic location: 17q22.
Variant type: single nucleotide variant.
Coding change: c.2299G>T on transcript NM_017763.6 (MANE Select); coding-DNA position 2299, G replaced by T.
Protein change: p.Ala767Ser; replaces alanine 767 with serine.
Molecular consequence: missense variant.
Genome position (GRCh38, 1-based): chr17:58,357,477, C>A on the plus strand (G>T on the coding strand, the complement: RNF43 is on the minus strand). VCF-style: chr17-58357477-C-A. GRCh37 (hg19) VCF-style: chr17-56434838-C-A.
Other names: c.2299G>T, p.Ala767Ser (NM_001305544.3); c.1918G>T, p.Ala640Ser (NM_001305545.2); short protein forms A640S, A767S.
Identifiers: ClinVar variation 3946867 (VCV003946867.1).
Genomic context (GRCh38, chr17:58,357,477, plus strand): 5'-TCAGCTGTAGTCTCCTCTCCCTACCACACCCACTTCCCTCTGAAAACTCACCAGGCTGGG[C>A]CGACAGCACCTGGCAGTGCGGATAAGGGCATGGCCTGCCCTCTGCGGTGTCAGAACTCCA-3'
Protein context (NP_060233.3, residues 757-777): CPYPHCQVLS[Ala767Ser]QPGSEEELEE

ClinVar aggregate classification (germline): Uncertain significance (1 of 4 stars; one submission).

Submission:

Ambry Genetics
Classification: Uncertain significance. Last evaluated: 2025-04-19. Review status: criteria provided, single submitter. Criteria: Ambry Variant Classification Scheme 2023. Collection method: clinical testing. Allele origin: germline.
Comment: The p.A767S variant (also known as c.2299G>T), located in coding exon 8 of the RNF43 gene, results from a G to T substitution at nucleotide position 2299. The alanine at codon 767 is replaced by serine, an amino acid with similar properties. This amino acid position is conserved. In addition, this alteration is predicted to be tolerated by in silico analysis. Based on the available evidence, the clinical significance of this variant remains unclear.